The following is an entry in ClinVar:

NM_006790.3(MYOT):c.284G>T (p.Ser95Ile)

Genes: MYOT (myotilin; plus strand), PKD2L2-DT (PKD2L2 divergent transcript; minus strand). Cytogenetic location: 5q31.2.
Variant type: single nucleotide variant.
Coding change: c.284G>T on transcript NM_006790.3 (MANE Select); coding-DNA position 284, G replaced by T.
Protein change: p.Ser95Ile; replaces serine 95 with isoleucine.
Molecular consequence: missense variant. On other transcripts: 5 prime UTR variant (1), intron variant (1).
Genome position (GRCh38, 1-based): chr5:137,870,935, G>T. VCF-style: chr5-137870935-G-T. GRCh37 (hg19) VCF-style: chr5-137206624-G-T.
Other names: c.-62G>T (NM_001300911.2); c.-197+410G>T (NM_001135940.2); short protein forms S95I.
Identifiers: ClinVar variation 5838 (VCV000005838.2), dbSNP rs121908460, ClinGen allele CA253626.
Genomic context (GRCh38, chr5:137,870,935, plus strand): 5'-AGCATGCTGGCTCCAACCCAGGCCAAAGGGTTACAACCACCTATAACCAGTCCCCAGCCA[G>T]CTTCCTCAGCTCCATATTACCATCACAGCCTGATTACAATAGCAGTAAAATCCCTTCCGC-3'
Protein context (NP_006781.1, residues 85-105): VTTTYNQSPA[Ser95Ile]FLSSILPSQP

ClinVar aggregate classification (germline): Uncertain significance. Review status: criteria provided, single submitter (1 of 4 stars). 2 submissions from 2 submitters: Uncertain significance (1). 1 of the submissions does not count toward it. Last evaluated 2025-03-09.

Conditions:
Myofibrillar myopathy 3 (MFM3). Also called: Muscular dystrophy, proximal, type 1A; Autosomal dominant spheroid body myopathy. Identifiers: Orphanet 266, Orphanet 268129, MedGen C3714934, MONDO:0012215, OMIM 609200.

Allele frequency attached by ClinVar (database versions not stated): gnomAD exomes below 0.00001.
gnomAD v4.1: 1 of 1,614,200 alleles (0.000062%); highest among the groups gnomAD compares: Non-Finnish European, 0.000085%; no homozygotes.

Submissions (2):

Labcorp Genetics (formerly Invitae), Labcorp
Classification: Uncertain significance for Myofibrillar myopathy 3. Last evaluated: 2025-03-09. Review status: criteria provided, single submitter. Criteria: Invitae Variant Classification Sherloc (09022015). Collection method: clinical testing. Allele origin: germline.
Comment: This sequence change replaces serine, which is neutral and polar, with isoleucine, which is neutral and non-polar, at codon 95 of the MYOT protein (p.Ser95Ile). This variant is not present in population databases (gnomAD no frequency). This missense change has been observed in individual(s) with myofibrillar myopathy (PMID: 15111675). This variant is also known as G>T at 564. ClinVar contains an entry for this variant (Variation ID: 5838). Invitae Evidence Modeling of protein sequence and biophysical properties (such as structural, functional, and spatial information, amino acid conservation, physicochemical variation, residue mobility, and thermodynamic stability) indicates that this missense variant is not expected to disrupt MYOT protein function with a negative predictive value of 80%. Experimental studies have shown that this missense change affects MYOT function (PMID: 37511242). In summary, the available evidence is currently insufficient to determine the role of this variant in disease. Therefore, it has been classified as a Variant of Uncertain Significance.

OMIM
Classification: Pathogenic for MYOPATHY, MYOFIBRILLAR, 3. Last evaluated: 2004-04-27. Review status: no assertion criteria provided. Collection method: literature only. Allele origin: germline. Not counted in ClinVar's aggregate classification.

Literature cited by the submitters: PubMed 15111675 (cited by Labcorp Genetics (formerly Invitae), Labcorp and OMIM); PubMed 37511242 (cited by Labcorp Genetics (formerly Invitae), Labcorp).